The following is an entry in ClinVar:

ClinVar aggregate classification (germline): Uncertain significance (1 of 4 stars; one submission).

Allele frequency attached by ClinVar (database versions not stated): ExAC 0.00001; gnomAD 0.00001 and 0.00002; TOPMed 0.00003.
gnomAD v4.1: 42 of 1,613,772 alleles (0.0026%); highest among the groups gnomAD compares: Non-Finnish European, 0.0028%; no homozygotes.

Submission:

Labcorp Genetics (formerly Invitae), Labcorp
Classification: Uncertain significance. Last evaluated: 2025-03-13. Review status: criteria provided, single submitter. Criteria: Invitae Variant Classification Sherloc (09022015). Collection method: clinical testing. Allele origin: germline.
Comment: This sequence change replaces valine, which is neutral and non-polar, with methionine, which is neutral and non-polar, at codon 81 of the GNB3 protein (p.Val81Met). This variant is present in population databases (rs45616032, gnomAD 0.004%). This variant has not been reported in the literature in individuals affected with GNB3-related conditions. ClinVar contains an entry for this variant (Variation ID: 945400). Invitae Evidence Modeling of protein sequence and biophysical properties (such as structural, functional, and spatial information, amino acid conservation, physicochemical variation, residue mobility, and thermodynamic stability) indicates that this missense variant is not expected to disrupt GNB3 protein function with a negative predictive value of 80%. In summary, the available evidence is currently insufficient to determine the role of this variant in disease. Therefore, it has been classified as a Variant of Uncertain Significance.

NM_002075.4(GNB3):c.241G>A (p.Val81Met)

Gene: GNB3 (G protein subunit beta 3; plus strand). Cytogenetic location: 12p13.31.
Variant type: single nucleotide variant.
Coding change: c.241G>A on transcript NM_002075.4 (MANE Select); coding-DNA position 241, G replaced by A.
Protein change: p.Val81Met; replaces valine 81 with methionine.
Molecular consequence: missense variant.
Genome position (GRCh38, 1-based): chr12:6,843,211, G>A. VCF-style: chr12-6843211-G-A. GRCh37 (hg19) VCF-style: chr12-6952375-G-A.
Other names: c.241G>A, p.Val81Met (NM_001297571.2); short protein forms V81M.
Identifiers: ClinVar variation 945400 (VCV000945400.9), dbSNP rs45616032, ClinGen allele CA6417483.